The following is an entry in ClinVar:

ClinVar aggregate classification (germline): Pathogenic/Likely pathogenic. Review status: criteria provided, multiple submitters, no conflicts (2 of 4 stars). 2 submissions from 2 submitters: Pathogenic (1); Likely pathogenic (1). Last evaluated 2022-10-07.

Conditions:
PROM1-related disorder. Also called: PROM1-related disorders; PROM1-related condition.

Submissions (2):

Labcorp Genetics (formerly Invitae), Labcorp
Classification: Pathogenic. Last evaluated: 2022-10-07. Review status: criteria provided, single submitter. Criteria: Invitae Variant Classification Sherloc (09022015). Collection method: clinical testing. Allele origin: germline.
Comment: This variant has not been reported in the literature in individuals affected with PROM1-related conditions. This variant is present in population databases (no rsID available, gnomAD 0.002%). This sequence change creates a premature translational stop signal (p.Lys513Asnfs*2) in the PROM1 gene. It is expected to result in an absent or disrupted protein product. Loss-of-function variants in PROM1 are known to be pathogenic (PMID: 17605048, 19718270, 24154662, 25474345). For these reasons, this variant has been classified as Pathogenic.

Blueprint Genetics
Classification: Likely pathogenic for PROM1-related disorders. Last evaluated: 2019-11-11. Review status: criteria provided, single submitter. Criteria: ACMG Guidelines, 2015. Collection method: clinical testing. Allele origin: germline. Affected: yes. Observed: 1 variant allele.

Literature cited by the submitters: PubMed 17605048 (cited by Labcorp Genetics (formerly Invitae), Labcorp); PubMed 19718270 (cited by Labcorp Genetics (formerly Invitae), Labcorp); PubMed 24154662 (cited by Labcorp Genetics (formerly Invitae), Labcorp); PubMed 25474345 (cited by Labcorp Genetics (formerly Invitae), Labcorp).

NM_006017.3(PROM1):c.1539del (p.Lys513fs)

Gene: PROM1 (prominin 1; minus strand). Cytogenetic location: 4p15.32.
Variant type: Deletion.
Coding change: c.1539del on transcript NM_006017.3 (MANE Select); coding-DNA position 1539, one base deleted (A; older notation c.1539delA).
Protein change: p.Lys513fs; shifts the reading frame from lysine 513.
Molecular consequence: frameshift variant.
Genome position (GRCh38, 1-based): chr4:16,000,535, T deleted on the plus strand (A on the coding strand, the reverse complement: PROM1 is on the minus strand); the first of 5 consecutive T bases (chr4:16,000,535-16,000,539); deleting any one gives the same sequence. VCF-style (leftmost placement, unchanged base first): chr4-16000534-GT-G. GRCh37 (hg19) VCF-style: chr4-16002157-GT-G.
Other names: c.1512del, p.Lys504fs (NM_001145847.2, NM_001145848.2, NM_001145851.2 and 4 more transcripts); c.1539del, p.Lys513fs (NM_001145849.2, NM_001145850.2); short protein forms K504fs, K513fs.
Identifiers: ClinVar variation 2034415 (VCV002034415.5), dbSNP rs1303564849, ClinGen allele CA549883951.